The following is an entry in ClinVar:

NM_001099403.2(PRDM8):c.1409G>A (p.Gly470Asp)

Gene: PRDM8 (PR/SET domain 8; plus strand). Cytogenetic location: 4q21.21.
Variant type: single nucleotide variant.
Coding change: c.1409G>A on transcript NM_001099403.2 (MANE Select); coding-DNA position 1409, G replaced by A.
Protein change: p.Gly470Asp; replaces glycine 470 with aspartic acid.
Molecular consequence: missense variant.
Genome position (GRCh38, 1-based): chr4:80,202,871, G>A. VCF-style: chr4-80202871-G-A. GRCh37 (hg19) VCF-style: chr4-81124025-G-A.
Other names: c.1409G>A, p.Gly470Asp (NM_020226.4); c.1409G>A (NM_020226.3); short protein forms G470D.
Identifiers: ClinVar variation 1036496 (VCV001036496.7), dbSNP rs1388275056, ClinGen allele CA357400643.

ClinVar aggregate classification (germline): Uncertain significance. Review status: criteria provided, multiple submitters, no conflicts (2 of 4 stars). 2 submissions from 2 submitters: Uncertain significance (2). Last evaluated 2024-07-23.

Conditions:
Early-onset Lafora body disease. Also called: Epilepsy, progressive myoclonic, 10. Identifiers: Orphanet 324290, MedGen C4225258, MONDO:0014717, OMIM 616640.

Allele frequency attached by ClinVar (database versions not stated): gnomAD 0.00003; TOPMed 0.00003; gnomAD exomes 0.00005.
gnomAD v4.1: 55 of 1,264,026 alleles (0.0044%); highest among the groups gnomAD compares: Non-Finnish European, 0.0052%; no homozygotes.

Submissions (2):

Ambry Genetics
Classification: Uncertain significance. Last evaluated: 2024-07-23. Review status: criteria provided, single submitter. Criteria: Ambry Variant Classification Scheme 2023. Collection method: clinical testing. Allele origin: germline.

Labcorp Genetics (formerly Invitae), Labcorp
Classification: Uncertain significance for Early-onset Lafora body disease. Last evaluated: 2022-07-25. Review status: criteria provided, single submitter. Criteria: Invitae Variant Classification Sherloc (09022015). Collection method: clinical testing. Allele origin: germline.
Comment: This sequence change replaces glycine, which is neutral and non-polar, with aspartic acid, which is acidic and polar, at codon 470 of the PRDM8 protein (p.Gly470Asp). This variant is present in population databases (no rsID available, gnomAD 0.007%). This variant has not been reported in the literature in individuals affected with PRDM8-related conditions. ClinVar contains an entry for this variant (Variation ID: 1036496). Algorithms developed to predict the effect of missense changes on protein structure and function are either unavailable or do not agree on the potential impact of this missense change (SIFT: "Deleterious"; PolyPhen-2: "Possibly Damaging"; Align-GVGD: "Class C0"). In summary, the available evidence is currently insufficient to determine the role of this variant in disease. Therefore, it has been classified as a Variant of Uncertain Significance.